The following is an entry in ClinVar:

ClinVar aggregate classification (germline): Uncertain significance (1 of 4 stars; one submission).

Conditions:
Cardiovascular phenotype. Identifiers: MedGen CN230736.

Allele frequency attached by ClinVar (database versions not stated): gnomAD exomes below 0.00001.
gnomAD v4.1: 2 of 1,613,794 alleles (0.00012%); highest among the groups gnomAD compares: Non-Finnish European, 0.00017%; no homozygotes.

Submission:

Ambry Genetics
Classification: Uncertain significance for Cardiovascular phenotype. Last evaluated: 2022-08-25. Review status: criteria provided, single submitter. Criteria: Ambry Variant Classification Scheme 2023. Collection method: clinical testing. Allele origin: germline.
Comment: The c.2963-3T>A intronic variant results from a T to A substitution 3 nucleotides upstream from coding exon 17 in the TTN gene. This nucleotide position is not well conserved in available vertebrate species. In silico splice site analysis for this alteration is inconclusive. Since supporting evidence is limited at this time, the clinical significance of this alteration remains unclear.

NM_001267550.2(TTN):c.3101-3T>A

Gene: TTN (titin; minus strand). Cytogenetic location: 2q31.2.
Variant type: single nucleotide variant.
Coding change: c.3101-3T>A on transcript NM_001267550.2 (MANE Select); 3 bases into the intron before coding-DNA position 3101, T replaced by A.
Molecular consequence: intron variant.
Genome position (GRCh38, 1-based): chr2:178,782,605, A>T on the plus strand (T>A on the coding strand, the complement: TTN is on the minus strand). VCF-style: chr2-178782605-A-T. GRCh37 (hg19) VCF-style: chr2-179647332-A-T.
Other names: c.2963-3T>A (NM_003319.4, NM_133437.4, NM_133432.3); c.3101-3T>A (NM_133378.4, NM_001256850.1, NM_133379.5).
Identifiers: ClinVar variation 1798186 (VCV001798186.2), dbSNP rs1214822539, ClinGen allele CA761322362.